The following is an entry in ClinVar:

ClinVar aggregate classification (germline): Likely benign. Review status: criteria provided, single submitter (1 of 4 stars). 2 submissions from 2 submitters: Likely benign (1). 1 of the submissions does not count toward it. Last evaluated 2026-01-28.

Conditions:
RYR1-related disorder. Also called: RYR1-related condition; RYR1-related disorders. Identifiers: MedGen CN239331.

Allele frequency attached by ClinVar (database versions not stated): TOPMed below 0.00001; ExAC 0.00001; gnomAD 0.00001.
gnomAD v4.1: 5 of 1,610,524 alleles (0.00031%); highest among the groups gnomAD compares: Non-Finnish European, 0.00042%; no homozygotes.

Submissions (2):

Labcorp Genetics (formerly Invitae), Labcorp
Classification: Likely benign for RYR1-related disorder. Last evaluated: 2026-01-28. Review status: criteria provided, single submitter. Criteria: Invitae Variant Classification Sherloc (09022015). Collection method: clinical testing. Allele origin: germline.

PreventionGenetics, part of Exact Sciences
Classification: Likely benign for RYR1-related condition. Last evaluated: 2023-10-29. Review status: no assertion criteria provided. Collection method: clinical testing. Allele origin: germline. Not counted in ClinVar's aggregate classification.
Comment: This variant is classified as likely benign based on ACMG/AMP sequence variant interpretation guidelines (Richards et al. 2015 PMID: 25741868, with internal and published modifications).

NM_000540.3(RYR1):c.13746+9C>A

Gene: RYR1 (ryanodine receptor 1; plus strand). Cytogenetic location: 19q13.2.
Variant type: single nucleotide variant.
Coding change: c.13746+9C>A on transcript NM_000540.3 (MANE Select); 9 bases into the intron after coding-DNA position 13746, C replaced by A.
Molecular consequence: intron variant.
Genome position (GRCh38, 1-based): chr19:38,570,702, C>A. VCF-style: chr19-38570702-C-A. GRCh37 (hg19) VCF-style: chr19-39061342-C-A.
Other names: c.13746+9C>A (NM_000540.2); c.13731+9C>A (NM_001042723.2).
Identifiers: ClinVar variation 1077885 (VCV001077885.11), dbSNP rs749233889, ClinGen allele CA060468.